The following is an entry in ClinVar:

NM_019032.6(ADAMTSL4):c.1075A>G (p.Ser359Gly)

Genes: ADAMTSL4 (ADAMTS like 4; plus strand), ADAMTSL4-AS2 (ADAMTSL4 antisense RNA 2; minus strand). Cytogenetic location: 1q21.2.
Variant type: single nucleotide variant.
Coding change: c.1075A>G on transcript NM_019032.6 (MANE Select); coding-DNA position 1075, A replaced by G.
Protein change: p.Ser359Gly; replaces serine 359 with glycine.
Molecular consequence: missense variant.
Genome position (GRCh38, 1-based): chr1:150,554,066, A>G. VCF-style: chr1-150554066-A-G. GRCh37 (hg19) VCF-style: chr1-150526542-A-G.
Other names: c.1075A>G, p.Ser359Gly (NM_001288607.2, NM_001288608.2, NM_001378596.1 and 1 more transcripts); c.1075A>G (NM_019032.4); short protein forms S359G.
Identifiers: ClinVar variation 1991378 (VCV001991378.3), dbSNP rs754269973, ClinGen allele CA1078114.

ClinVar aggregate classification (germline): Uncertain significance. Review status: criteria provided, multiple submitters, no conflicts (2 of 4 stars). 2 submissions from 2 submitters: Uncertain significance (2). Last evaluated 2024-11-12.

Conditions:
Inborn genetic diseases. Identifiers: MedGen C0950123, MeSH D030342.

Allele frequency attached by ClinVar (database versions not stated): gnomAD 0.00001; gnomAD exomes 0.00001; ExAC 0.00002; TOPMed 0.00002.
gnomAD v4.1: 4 of 1,605,170 alleles (0.00025%); highest among the groups gnomAD compares: East Asian, 0.0022%; no homozygotes.

Submissions (2):

Ambry Genetics
Classification: Uncertain significance for Inborn genetic diseases. Last evaluated: 2024-11-12. Review status: criteria provided, single submitter. Criteria: Ambry Variant Classification Scheme 2023. Collection method: clinical testing. Allele origin: germline.

Labcorp Genetics (formerly Invitae), Labcorp
Classification: Uncertain significance. Last evaluated: 2024-03-07. Review status: criteria provided, single submitter. Criteria: Invitae Variant Classification Sherloc (09022015). Collection method: clinical testing. Allele origin: germline.
Comment: This sequence change replaces serine, which is neutral and polar, with glycine, which is neutral and non-polar, at codon 359 of the ADAMTSL4 protein (p.Ser359Gly). This variant is present in population databases (rs754269973, gnomAD 0.006%). This variant has not been reported in the literature in individuals affected with ADAMTSL4-related conditions. ClinVar contains an entry for this variant (Variation ID: 1991378). Advanced modeling of protein sequence and biophysical properties (such as structural, functional, and spatial information, amino acid conservation, physicochemical variation, residue mobility, and thermodynamic stability) performed at Invitae indicates that this missense variant is not expected to disrupt ADAMTSL4 protein function with a negative predictive value of 80%. In summary, the available evidence is currently insufficient to determine the role of this variant in disease. Therefore, it has been classified as a Variant of Uncertain Significance.